The following is an entry in ClinVar:

NM_020821.3(VPS13C):c.8972_8975del (p.Lys2991fs)

Gene: VPS13C (vacuolar protein sorting 13 homolog C; minus strand). Cytogenetic location: 15q22.2.
Variant type: Deletion.
Coding change: c.8972_8975del on transcript NM_020821.3 (MANE Select); coding-DNA positions 8972 to 8975, 4 bases deleted (AACA; older notation c.8972_8975delAACA).
Protein change: p.Lys2991fs; shifts the reading frame from lysine 2991.
Molecular consequence: frameshift variant.
Genome position (GRCh38, 1-based): chr15:61,908,995-61,908,998, TGTT deleted on the plus strand (AACA on the coding strand, the reverse complement: VPS13C is on the minus strand); deleting any 4 consecutive bases within chr15:61,908,995-61,909,001 gives the same sequence; the c. name uses the placement nearest the transcript's 3' end. VCF-style (leftmost placement, unchanged base first): chr15-61908994-CTGTT-C. GRCh37 (hg19) VCF-style: chr15-62201193-CTGTT-C.
Other names: c.8972_8975del, p.Lys2991fs (NM_001018088.3); c.8843_8846del, p.Lys2948fs (NM_017684.5, NM_018080.4); c.8972_8975delAACA (NM_020821.3); short protein forms K2948fs, K2991fs.
Identifiers: ClinVar variation 3902376 (VCV003902376.1).
Genomic context (GRCh38, chr15:61,908,994, plus strand): 5'-TCCCATTAGTTACTATGAACCAATAAAAGTATTTCCCATTAACCCTTTTTTCTCATACCT[CTGTT>C]TGTATGTGAGGATGTCCCATGGTGTATGGTTCATTATCAAGGCAGGTGCAGATCCCTCAT-3'

ClinVar aggregate classification (germline): Pathogenic (1 of 4 stars; one submission).

Conditions:
Autosomal recessive early-onset Parkinson disease 23. Identifiers: Orphanet 2828, MedGen C4225186, MONDO:0014796, OMIM 616840.

Submission:

Women's Health and Genetics/Laboratory Corporation of America, LabCorp
Classification: Pathogenic for Autosomal recessive early-onset Parkinson disease 23. Last evaluated: 2025-05-08. Review status: criteria provided, single submitter. Criteria: LabCorp Variant Classification Summary - May 2015. Collection method: clinical testing. Allele origin: germline.
Comment: Variant summary: VPS13C c.8972_8975delAACA (p.Lys2991ArgfsX43) results in a premature termination codon, predicted to cause a truncation of the encoded protein or absence of the protein due to nonsense mediated decay, which are commonly known mechanisms for disease. The variant allele was found at a frequency of 4e-06 in 249242 control chromosomes. To our knowledge, no occurrence of c.8972_8975delAACA in individuals affected with Parkinson Disease 23, Autosomal Recessive Early-Onset and no experimental evidence demonstrating its impact on protein function have been reported. No submitters have cited clinical-significance assessments for this variant to ClinVar. Based on the evidence outlined above, the variant was classified as pathogenic.